The following is an entry in ClinVar:

NM_018834.6(MATR3):c.2100G>T (p.Val700=)

Genes: MATR3 (matrin 3; plus strand), LOC126807526 (CDK7 strongly-dependent group 2 enhancer GRCh37_chr5:138657767-138658966; plus strand). Cytogenetic location: 5q31.2.
Variant type: single nucleotide variant.
Coding change: c.2100G>T on transcript NM_018834.6 (MANE Select); coding-DNA position 2100, G replaced by T.
Protein change: p.Val700=; no amino-acid change (valine 700 retained).
Molecular consequence: synonymous variant.
Genome position (GRCh38, 1-based): chr5:139,322,919, G>T. VCF-style: chr5-139322919-G-T. GRCh37 (hg19) VCF-style: chr5-138658608-G-T.
Other names: c.2100G>T, p.Val700= (NM_001194954.2, NM_001194955.2, NM_001400441.1 and 16 more transcripts); c.1236G>T, p.Val412= (NM_001194956.2); c.1086G>T, p.Val362= (NM_001282278.2, NM_001400460.1, NM_001400462.1 and 5 more transcripts); c.1239G>T, p.Val413= (NM_001400459.1); c.1200G>T, p.Val400= (NM_001400461.1).
Identifiers: ClinVar variation 5039234 (VCV005039234.1).

ClinVar aggregate classification (germline): Likely benign (1 of 4 stars; one submission).

gnomAD v4.1: 1 of 1,613,312 alleles (0.000062%); highest among the groups gnomAD compares: Middle Eastern, 0.017%; no homozygotes.

Submission:

CeGaT Center for Human Genetics Tuebingen
Classification: Likely benign. Last evaluated: 2026-08-01. Review status: criteria provided, single submitter. Criteria: CeGaT Center For Human Genetics Tuebingen Variant Classification Criteria Version 2. Collection method: clinical testing. Allele origin: germline. Affected: yes. Observed: 1 variant allele.
Comment: MATR3: BP4, BP7